The following is an entry in ClinVar:

ClinVar aggregate classification (germline): Benign (1 of 4 stars; one submission).

Allele frequency attached by ClinVar (database versions not stated): 1000 Genomes Project 30x 0.17208; 1000 Genomes Project 0.17372; TOPMed 0.25471; gnomAD 0.27969 and 0.27978.
gnomAD v4.1: 42,656 of 152,100 alleles (28%); highest among the groups gnomAD compares: Non-Finnish European, 40%; 7,618 homozygotes.

Submission:

GeneDx
Classification: Benign. Last evaluated: 2018-06-14. Review status: criteria provided, single submitter. Criteria: GeneDx Variant Classification (06012015). Collection method: clinical testing. Allele origin: germline. Affected: yes.
Comment: This variant is considered likely benign or benign based on one or more of the following criteria: it is a conservative change, it occurs at a poorly conserved position in the protein, it is predicted to be benign by multiple in silico algorithms, and/or has population frequency not consistent with disease.

NM_004074.3(COX8A):c.114+287T>G

Gene: COX8A (cytochrome c oxidase subunit 8A; plus strand). Cytogenetic location: 11q13.1.
Variant type: single nucleotide variant.
Coding change: c.114+287T>G on transcript NM_004074.3 (MANE Select); 287 bases into the intron after coding-DNA position 114, T replaced by G.
Molecular consequence: intron variant.
Genome position (GRCh38, 1-based): chr11:63,975,081, T>G. VCF-style: chr11-63975081-T-G. GRCh37 (hg19) VCF-style: chr11-63742553-T-G.
Identifiers: ClinVar variation 683606 (VCV000683606.1), dbSNP rs11231664, ClinGen allele CA13419400.